The following is an entry in ClinVar:

ClinVar aggregate classification (germline): Benign/Likely benign. Review status: criteria provided, multiple submitters, no conflicts (2 of 4 stars). 2 submissions from 2 submitters: Benign (1); Likely benign (1). Last evaluated 2024-04-05.

Conditions:
Familial adenomatous polyposis 1 (FAP1). Also called: FAMILIAL ADENOMATOUS POLYPOSIS 1, ATTENUATED; POLYPOSIS, ADENOMATOUS INTESTINAL. Identifiers: MedGen C2713442, MONDO:0021056, OMIM 175100. Disease mechanism: loss of function.

Submissions (2):

Myriad Genetics, Inc.
Classification: Benign for Familial adenomatous polyposis 1. Last evaluated: 2024-04-05. Review status: criteria provided, single submitter. Criteria: Myriad Autosomal Dominant, Autosomal Recessive and X-Linked Classification Criteria (2023). Collection method: clinical testing. Allele origin: unknown.
Comment: This variant is considered benign. This variant is a silent/synonymous amino acid change and it is not expected to impact splicing.

Labcorp Genetics (formerly Invitae), Labcorp
Classification: Likely benign for Familial adenomatous polyposis 1. Last evaluated: 2024-02-17. Review status: criteria provided, single submitter. Criteria: Invitae Variant Classification Sherloc (09022015). Collection method: clinical testing. Allele origin: germline.

NM_000038.6(APC):c.6558A>G (p.Lys2186=)

Gene: APC (APC regulator of Wnt signaling pathway; plus strand). Cytogenetic location: 5q22.2.
Variant type: single nucleotide variant.
Coding change: c.6558A>G on transcript NM_000038.6 (MANE Select); coding-DNA position 6558, A replaced by G.
Protein change: p.Lys2186=; no amino-acid change (lysine 2186 retained).
Molecular consequence: synonymous variant.
Genome position (GRCh38, 1-based): chr5:112,842,152, A>G. VCF-style: chr5-112842152-A-G. GRCh37 (hg19) VCF-style: chr5-112177849-A-G.
Other names: c.6558A>G, p.Lys2186= (NM_001127510.3, NM_001354895.2); c.6504A>G, p.Lys2168= (NM_001127511.3); c.6612A>G, p.Lys2204= (NM_001354896.2); c.6588A>G, p.Lys2196= (NM_001354897.2); c.6483A>G, p.Lys2161= (NM_001354898.2); c.6474A>G, p.Lys2158= (NM_001354899.2); c.6435A>G, p.Lys2145= (NM_001354900.2); c.6381A>G, p.Lys2127= (NM_001354901.2); and 5 more.
Identifiers: ClinVar variation 1007993 (VCV001007993.11), dbSNP rs1766244713, ClinGen allele CA446210754.